The following is an entry in ClinVar:

ClinVar aggregate classification (germline): Uncertain significance. Review status: criteria provided, multiple submitters, no conflicts (2 of 4 stars). 7 submissions from 7 submitters: Uncertain significance (7). Last evaluated 2025-01-17.

Conditions:
Hereditary cancer-predisposing syndrome. Also called: Hereditary Cancer Syndrome; Neoplastic Syndromes, Hereditary; Tumor predisposition; Hereditary neoplastic syndrome. Identifiers: Orphanet 140162, MedGen C0027672, MeSH D009386, MONDO:0015356.
Fanconi anemia complementation group N. Also called: PALB2-Related Fanconi Anemia. Identifiers: Orphanet 84, MedGen C1835817, MONDO:0012565, OMIM 610832. Disease mechanism: loss of function.
Pancreatic cancer, susceptibility to, 3. Identifiers: Orphanet 1333, MedGen C3150547, MONDO:0013236, OMIM 613348.
Familial cancer of breast. Also called: Hereditary breast cancer; hereditary breast carcinoma; BREAST CANCER, FAMILIAL. Identifiers: Orphanet 227535, MedGen C0346153, MONDO:0016419, OMIM 114480. Disease mechanism: loss of function.

gnomAD v4.1: 3 of 1,613,562 alleles (0.00019%); highest among the groups gnomAD compares: Non-Finnish European, 0.00025%; no homozygotes.

Submissions (7):

Labcorp Genetics (formerly Invitae), Labcorp
Classification: Uncertain significance for Familial cancer of breast. Last evaluated: 2025-01-17. Review status: criteria provided, single submitter. Criteria: Invitae Variant Classification Sherloc (09022015). Collection method: clinical testing. Allele origin: germline.
Comment: This sequence change replaces serine, which is neutral and polar, with isoleucine, which is neutral and non-polar, at codon 10 of the PALB2 protein (p.Ser10Ile). This variant is not present in population databases (gnomAD no frequency). This variant has not been reported in the literature in individuals affected with PALB2-related conditions. ClinVar contains an entry for this variant (Variation ID: 232241). An algorithm developed to predict the effect of missense changes on protein structure and function (PolyPhen-2) suggests that this variant is likely to be disruptive. In summary, the available evidence is currently insufficient to determine the role of this variant in disease. Therefore, it has been classified as a Variant of Uncertain Significance.

Ambry Genetics
Classification: Uncertain significance for Hereditary cancer-predisposing syndrome. Last evaluated: 2024-12-02. Review status: criteria provided, single submitter. Criteria: Ambry Variant Classification Scheme 2023. Collection method: clinical testing. Allele origin: germline.
Comment: The p.S10I variant (also known as c.29G>T), located in coding exon 1 of the PALB2 gene, results from a G to T substitution at nucleotide position 29. The serine at codon 10 is replaced by isoleucine, an amino acid with dissimilar properties. This amino acid position is highly conserved in available vertebrate species. In addition, this alteration is predicted to be tolerated by in silico analysis. Since supporting evidence is limited at this time, the clinical significance of this alteration remains unclear.

Baylor Genetics
Classification: Uncertain significance for Familial cancer of breast. Last evaluated: 2023-12-26. Review status: criteria provided, single submitter. Criteria: ACMG Guidelines, 2015. Collection method: clinical testing. Allele origin: unknown.

Women's Health and Genetics/Laboratory Corporation of America, LabCorp
Classification: Uncertain significance. Last evaluated: 2022-11-21. Review status: criteria provided, single submitter. Criteria: LabCorp Variant Classification Summary - May 2015. Collection method: clinical testing. Allele origin: germline.
Comment: Variant summary: PALB2 c.29G>T (p.Ser10Ile) results in a non-conservative amino acid change in the encoded protein sequence. Four of five in-silico tools predict a damaging effect of the variant on protein function. The variant was absent in 248042 control chromosomes. The available data on variant occurrences in the general population are insufficient to allow any conclusion about variant significance. c.29G>T has been reported in the literature in individuals affected with pancreatic cancer without strong evidence for causality (e.g. Kuruturkcan_2019). These report(s) do not provide unequivocal conclusions about association of the variant with Hereditary Breast And Ovarian Cancer Syndrome. To our knowledge, no experimental evidence demonstrating an impact on protein function has been reported. Four clinical diagnostic laboratories have submitted clinical-significance assessments for this variant to ClinVar after 2014 without evidence for independent evaluation. All laboratories classified the variant as uncertain significance. Based on the evidence outlined above, the variant was classified as uncertain significance.

Fulgent Genetics
Classification: Uncertain significance for Familial cancer of breast; Fanconi anemia complementation group N; Pancreatic cancer, susceptibility to, 3. Last evaluated: 2022-04-12. Review status: criteria provided, single submitter. Criteria: ACMG Guidelines, 2015. Collection method: clinical testing. Allele origin: unknown.

Sema4
Classification: Uncertain significance for Hereditary cancer-predisposing syndrome. Last evaluated: 2022-02-02. Review status: criteria provided, single submitter. Criteria: Sema4 Curation Guidelines. Collection method: curation. Allele origin: germline.
Comment: The PALB2 c.29G>T (p.S10I) variant has been reported in at least two individuals with pancreatic cancer (Kuru Turkcan_2019). It was not observed in the large and broad cohorts of the Genome Aggregation Database (PMID: 32461654). The variant has been reported in ClinVar (Variation ID 232241). Functional studies have not been performed, and in silico predictions of the variant's effect on protein function are inconclusive. The evidence is insufficient to meet ACMG/AMP criteria for classifying the variant as benign or pathogenic. Thus, the clinical significance of this variant is currently uncertain.

Quest Diagnostics Nichols Institute San Juan Capistrano
Classification: Uncertain significance. Last evaluated: 2017-12-02. Review status: criteria provided, single submitter. Criteria: Quest Diagnostics criteria. Collection method: clinical testing. Allele origin: germline.

NM_024675.4(PALB2):c.29G>T (p.Ser10Ile)

Gene: PALB2 (partner and localizer of BRCA2; minus strand). Cytogenetic location: 16p12.2.
Variant type: single nucleotide variant.
Coding change: c.29G>T on transcript NM_024675.4 (MANE Select); coding-DNA position 29, G replaced by T.
Protein change: p.Ser10Ile; replaces serine 10 with isoleucine.
Molecular consequence: missense variant.
Genome position (GRCh38, 1-based): chr16:23,641,129, C>A on the plus strand (G>T on the coding strand, the complement: PALB2 is on the minus strand). VCF-style: chr16-23641129-C-A. GRCh37 (hg19) VCF-style: chr16-23652450-C-A.
Other names: short protein forms S10I.
Identifiers: ClinVar variation 232241 (VCV000232241.23), dbSNP rs876659643, ClinGen allele CA10580062.